The following is an entry in ClinVar:

ClinVar aggregate classification (germline): Benign. Review status: criteria provided, multiple submitters, no conflicts (2 of 4 stars). 5 submissions from 5 submitters: Benign (5). Last evaluated 2026-02-04.

Conditions:
Mitochondrial DNA depletion syndrome, myopathic form (MTDPS2). Also called: MITOCHONDRIAL DNA DEPLETION SYNDROME 2 (MYOPATHIC TYPE); TK2-Related Mitochondrial DNA Maintenance Defect, Myopathic Form; MITOCHONDRIAL DNA DEPLETION MYOPATHY, TK2-RELATED. Identifiers: Orphanet 254875, MedGen C3149750, MONDO:0012301, OMIM 609560.

Allele frequency attached by ClinVar (database versions not stated): gnomAD 0.06072; TOPMed 0.06707; ESP Exome Variant Server 0.06760; 1000 Genomes Project 0.06849; 1000 Genomes Project 30x 0.07214.
gnomAD v4.1: 18,159 of 1,611,374 alleles (1.1%); highest among the groups gnomAD compares: African/African-American, 21%; 1,765 homozygotes.

Submissions (5):

Labcorp Genetics (formerly Invitae), Labcorp
Classification: Benign. Last evaluated: 2026-02-04. Review status: criteria provided, single submitter. Criteria: Invitae Variant Classification Sherloc (09022015). Collection method: clinical testing. Allele origin: germline.

Illumina Laboratory Services, Illumina
Classification: Benign for Mitochondrial DNA depletion syndrome, myopathic form. Last evaluated: 2018-01-13. Review status: criteria provided, single submitter. Criteria: ICSL Variant Classification Criteria 13 December 2019. Collection method: clinical testing. Allele origin: germline.
Comment: This variant was observed in the ICSL laboratory as part of a predisposition screen in an ostensibly healthy population. It had not been previously curated by ICSL or reported in the Human Gene Mutation Database (HGMD: prior to June 1st, 2018), and was therefore a candidate for classification through an automated scoring system. Utilizing variant allele frequency, disease prevalence and penetrance estimates, and inheritance mode, an automated score was calculated to assess if this variant is too frequent to cause the disease. Based on the score and internal cut-off values, a variant classified as benign is not then subjected to further curation. The score for this variant resulted in a classification of benign for this disease.

GeneDx
Classification: Benign. Last evaluated: 2011-07-18. Review status: criteria provided, single submitter. Criteria: GeneDx Variant Classification (06012015). Collection method: clinical testing. Allele origin: germline. Affected: yes.
Comment: This variant is considered likely benign or benign based on one or more of the following criteria: it is a conservative change, it occurs at a poorly conserved position in the protein, it is predicted to be benign by multiple in silico algorithms, and/or has population frequency not consistent with disease.

Breakthrough Genomics
Classification: Benign. Review status: criteria provided, single submitter. Criteria: ACMG Guidelines, 2015. Collection method: not provided. Allele origin: germline. Inheritance: Autosomal recessive inheritance. Affected: yes.

PreventionGenetics, part of Exact Sciences
Classification: Benign. Review status: criteria provided, single submitter. Criteria: ACMG Guidelines, 2015. Collection method: clinical testing. Allele origin: germline.

NM_004614.5(TK2):c.156+15T>C

Gene: TK2 (thymidine kinase 2; minus strand). Cytogenetic location: 16q21.
Variant type: single nucleotide variant.
Coding change: c.156+15T>C on transcript NM_004614.5 (MANE Select); 15 bases into the intron after coding-DNA position 156, T replaced by C.
Molecular consequence: intron variant.
Genome position (GRCh38, 1-based): chr16:66,548,963, A>G on the plus strand (T>C on the coding strand, the complement: TK2 is on the minus strand). VCF-style: chr16-66548963-A-G. GRCh37 (hg19) VCF-style: chr16-66582866-A-G.
Other names: c.63+15T>C (NM_001271935.1, NM_001172643.1); c.156+15T>C (NM_001172644.2, NM_001172645.2); c.-87+15T>C (NM_001271934.2); c.-136+15T>C (NM_001272050.2).
Identifiers: ClinVar variation 137660 (VCV000137660.13), dbSNP rs80083556, ClinGen allele CA291313.